The following is an entry in ClinVar:

ClinVar aggregate classification (germline): Likely pathogenic (1 of 4 stars; one submission).

Submission:

Mayo Clinic Laboratories, Mayo Clinic
Classification: Likely pathogenic. Last evaluated: 2022-01-17. Review status: criteria provided, single submitter. Criteria: ACMG Guidelines, 2015. Collection method: clinical testing. Allele origin: germline.
Comment: PM2, PVS1

Literature cited by the submitters: PubMed 31333484; PubMed 34889366.

NM_003126.4(SPTA1):c.4295del (p.Ala1431_Leu1432insTer)

Gene: SPTA1 (spectrin alpha, erythrocytic 1; minus strand). Cytogenetic location: 1q23.1.
Variant type: Deletion.
Coding change: c.4295del on transcript NM_003126.4 (MANE Select); coding-DNA position 4295, one base deleted (T; older notation c.4295delT).
Protein change: p.Ala1431_Leu1432insTer.
Molecular consequence: nonsense.
Genome position (GRCh38, 1-based): chr1:158,644,296, A deleted on the plus strand (T on the coding strand, the reverse complement: SPTA1 is on the minus strand); the first of 3 consecutive A bases (chr1:158,644,296-158,644,298); deleting any one gives the same sequence. VCF-style (leftmost placement, unchanged base first): chr1-158644295-CA-C. GRCh37 (hg19) VCF-style: chr1-158614085-CA-C.
Identifiers: ClinVar variation 1705966 (VCV001705966.4), dbSNP rs1411236279, ClinGen allele CA889961775.